The following is an entry in ClinVar:

ClinVar aggregate classification (germline): Uncertain significance. Review status: criteria provided, multiple submitters, no conflicts (2 of 4 stars). 2 submissions from 2 submitters: Uncertain significance (2). Last evaluated 2026-03-14.

Conditions:
Cardiovascular phenotype. Identifiers: MedGen CN230736.
Hereditary hemorrhagic telangiectasia (HHT). Also called: ORW DISEASE; Osler Weber Rendu syndrome; OSLER-RENDU-WEBER DISEASE; Osler hemorrhagic telangiectasia syndrome. Identifiers: Orphanet 774, MedGen C0039445, MONDO:0019180. Disease mechanism: loss of function.

gnomAD v4.1: 2 of 1,614,202 alleles (0.00012%); highest among the groups gnomAD compares: Admixed American, 0.0017%; no homozygotes.

Submissions (2):

Ambry Genetics
Classification: Uncertain significance for Cardiovascular phenotype. Last evaluated: 2026-03-14. Review status: criteria provided, single submitter. Criteria: Ambry Variant Classification Scheme 2023. Collection method: clinical testing. Allele origin: germline.
Comment: The p.C516S variant (also known as c.1547G>C), located in coding exon 12 of the ENG gene, results from a G to C substitution at nucleotide position 1547. The cysteine at codon 516 is replaced by serine, an amino acid with dissimilar properties. This amino acid position is conserved. In addition, the in silico prediction for this alteration is inconclusive. Based on the available evidence, the clinical significance of this variant remains unclear.

Labcorp Genetics (formerly Invitae), Labcorp
Classification: Uncertain significance for Hereditary hemorrhagic telangiectasia. Last evaluated: 2024-09-04. Review status: criteria provided, single submitter. Criteria: Invitae Variant Classification Sherloc (09022015). Collection method: clinical testing. Allele origin: germline.
Comment: This sequence change replaces cysteine, which is neutral and slightly polar, with serine, which is neutral and polar, at codon 516 of the ENG protein (p.Cys516Ser). This variant is present in population databases (no rsID available, gnomAD 0.0009%). This variant has not been reported in the literature in individuals affected with ENG-related conditions. Invitae Evidence Modeling of protein sequence and biophysical properties (such as structural, functional, and spatial information, amino acid conservation, physicochemical variation, residue mobility, and thermodynamic stability) indicates that this missense variant is not expected to disrupt ENG protein function with a negative predictive value of 80%. In summary, the available evidence is currently insufficient to determine the role of this variant in disease. Therefore, it has been classified as a Variant of Uncertain Significance.

NM_001114753.3(ENG):c.1547G>C (p.Cys516Ser)

Genes: ENG (endoglin; minus strand), LOC102723566 (uncharacterized LOC102723566; plus strand). Cytogenetic location: 9q34.11.
Variant type: single nucleotide variant.
Coding change: c.1547G>C on transcript NM_001114753.3 (MANE Select); coding-DNA position 1547, G replaced by C.
Protein change: p.Cys516Ser; replaces cysteine 516 with serine.
Molecular consequence: missense variant.
Genome position (GRCh38, 1-based): chr9:127,818,259, C>G on the plus strand (G>C on the coding strand, the complement: ENG is on the minus strand). VCF-style: chr9-127818259-C-G. GRCh37 (hg19) VCF-style: chr9-130580538-C-G.
Other names: c.1547G>C (NM_001114753.1); c.1547G>C, p.Cys516Ser (NM_000118.4); c.1001G>C, p.Cys334Ser (NM_001278138.2); short protein forms C516S, C334S.
Identifiers: ClinVar variation 3710675 (VCV003710675.3).